The following is an entry in ClinVar:

ClinVar aggregate classification (germline): Pathogenic (1 of 4 stars; one submission).

Conditions:
Brody myopathy. Also called: BRODY DISEASE. Identifiers: Orphanet 53347, MedGen C1832918, MONDO:0010977, OMIM 601003.

Allele frequency attached by ClinVar (database versions not stated): ExAC 0.00001; gnomAD exomes 0.00001.
gnomAD v4.1: 3 of 1,614,214 alleles (0.00019%); highest among the groups gnomAD compares: Admixed American, 0.005%; no homozygotes.

Submission:

Labcorp Genetics (formerly Invitae), Labcorp
Classification: Pathogenic for Brody myopathy. Last evaluated: 2021-08-18. Review status: criteria provided, single submitter. Criteria: Invitae Variant Classification Sherloc (09022015). Collection method: clinical testing. Allele origin: germline.
Comment: For these reasons, this variant has been classified as Pathogenic. This variant has not been reported in the literature in individuals affected with ATP2A1-related conditions. This variant is present in population databases (rs752371826, ExAC 0.009%). This sequence change creates a premature translational stop signal (p.Tyr754*) in the ATP2A1 gene. It is expected to result in an absent or disrupted protein product. Loss-of-function variants in ATP2A1 are known to be pathogenic (PMID: 8841193, 10914677, 23911890).

Literature cited by the submitters: PubMed 8841193; PubMed 10914677; PubMed 23911890.

NM_004320.6(ATP2A1):c.2262C>G (p.Tyr754Ter)

Gene: ATP2A1 (ATPase sarcoplasmic/endoplasmic reticulum Ca2+ transporting 1; plus strand). Cytogenetic location: 16p11.2.
Variant type: single nucleotide variant.
Coding change: c.2262C>G on transcript NM_004320.6 (MANE Select); coding-DNA position 2262, C replaced by G.
Protein change: p.Tyr754Ter; replaces tyrosine 754 with a stop codon.
Molecular consequence: nonsense.
Genome position (GRCh38, 1-based): chr16:28,902,024, C>G. VCF-style: chr16-28902024-C-G. GRCh37 (hg19) VCF-style: chr16-28913345-C-G.
Other names: c.1887C>G, p.Tyr629Ter (NM_001286075.2); c.2262C>G, p.Tyr754Ter (NM_173201.5); short protein forms Y754*, Y629*.
Identifiers: ClinVar variation 1412650 (VCV001412650.6), dbSNP rs752371826, ClinGen allele CA7987207.